The following is an entry in ClinVar:

ClinVar aggregate classification (germline): Benign. Review status: criteria provided, multiple submitters, no conflicts (2 of 4 stars). 4 submissions from 4 submitters: Benign (3). 1 of the submissions does not count toward it. Last evaluated 2025-11-03.

Conditions:
46,XY sex reversal 7. Also called: DHH-Related 46,XY complete gonadal dysgenesis; 46,XY GONADAL DYSGENESIS, PARTIAL OR COMPLETE, DHH-RELATED; GONADAL DYSGENESIS, XY, MALE-LIMITED; 46,XY SEX REVERSAL, PARTIAL OR COMPLETE, DHH-RELATED. Identifiers: Orphanet 242, MedGen C1856273, MONDO:0009301, OMIM 233420.
DHH-related disorder. Also called: DHH-related condition.

Allele frequency attached by ClinVar (database versions not stated): gnomAD exomes 0.00049; TOPMed 0.00224; 1000 Genomes Project 30x 0.00344; ExAC 0.00065; gnomAD 0.00204 and 0.00217; 1000 Genomes Project 0.00319; ESP Exome Variant Server 0.00277.
gnomAD v4.1: 568 of 1,613,234 alleles (0.035%); highest among the groups gnomAD compares: African/African-American, 0.7%; 4 homozygotes.

Submissions (4):

Labcorp Genetics (formerly Invitae), Labcorp
Classification: Benign for 46,XY sex reversal 7. Last evaluated: 2025-11-03. Review status: criteria provided, single submitter. Criteria: Invitae Variant Classification Sherloc (09022015). Collection method: clinical testing. Allele origin: germline.

Mayo Clinic Laboratories, Mayo Clinic
Classification: Benign. Last evaluated: 2024-01-10. Review status: criteria provided, single submitter. Criteria: ACMG Guidelines, 2015. Collection method: clinical testing. Allele origin: germline. Observed: 3 variant alleles.
Comment: BS1, BS2

Breakthrough Genomics
Classification: Benign. Review status: criteria provided, single submitter. Criteria: ACMG Guidelines, 2015. Collection method: not provided. Allele origin: germline. Inheritance: Autosomal recessive inheritance. Affected: yes.

PreventionGenetics, part of Exact Sciences
Classification: Likely benign for DHH-related condition. Last evaluated: 2023-02-17. Review status: no assertion criteria provided. Collection method: clinical testing. Allele origin: germline. Not counted in ClinVar's aggregate classification.
Comment: This variant is classified as likely benign based on ACMG/AMP sequence variant interpretation guidelines (Richards et al. 2015 PMID: 25741868, with internal and published modifications).

NM_021044.4(DHH):c.188C>G (p.Ala63Gly)

Genes: DHH (desert hedgehog signaling molecule; minus strand), DHH-AS1 (DHH antisense RNA 1; plus strand). Cytogenetic location: 12q13.12.
Variant type: single nucleotide variant.
Coding change: c.188C>G on transcript NM_021044.4 (MANE Select); coding-DNA position 188, C replaced by G.
Protein change: p.Ala63Gly; replaces alanine 63 with glycine.
Molecular consequence: missense variant.
Genome position (GRCh38, 1-based): chr12:49,094,325, G>C on the plus strand (C>G on the coding strand, the complement: DHH is on the minus strand). VCF-style: chr12-49094325-G-C. GRCh37 (hg19) VCF-style: chr12-49488108-G-C.
Other names: p.Ala63Gly; c.188C>G (NM_021044.3); short protein forms A63G.
Identifiers: ClinVar variation 772085 (VCV000772085.12), dbSNP rs142269288, ClinGen allele CA6549239.